The following is an entry in ClinVar:

NM_006230.4(POLD2):c.220+1G>A

Gene: POLD2 (DNA polymerase delta 2, accessory subunit; minus strand). Cytogenetic location: 7p13.
Variant type: single nucleotide variant.
Coding change: c.220+1G>A on transcript NM_006230.4 (MANE Select); the canonical splice donor site of the intron after coding-DNA position 220, G replaced by A.
Molecular consequence: splice donor variant.
Genome position (GRCh38, 1-based): chr7:44,121,833, C>T on the plus strand (G>A on the coding strand, the complement: POLD2 is on the minus strand). VCF-style: chr7-44121833-C-T. GRCh37 (hg19) VCF-style: chr7-44161432-C-T.
Other names: c.220+1G>A (NM_001127218.3, NM_001256879.2).
Identifiers: ClinVar variation 4726615 (VCV004726615.1).

ClinVar aggregate classification (germline): Uncertain significance (1 of 4 stars; one submission).

gnomAD v4.1: 1 of 1,611,750 alleles (0.000062%); highest among the groups gnomAD compares: Non-Finnish European, 0.000085%; no homozygotes.

Submission:

Labcorp Genetics (formerly Invitae), Labcorp
Classification: Uncertain significance. Last evaluated: 2025-09-03. Review status: criteria provided, single submitter. Criteria: Invitae Variant Classification Sherloc (09022015). Collection method: clinical testing. Allele origin: germline.
Comment: This sequence change affects a donor splice site in intron 2 of the POLD2 gene. It is expected to disrupt RNA splicing. Variants that disrupt the donor or acceptor splice site typically lead to a loss of protein function (PMID: 16199547), however the current clinical and genetic evidence is not sufficient to establish whether loss-of-function variants in POLD2 cause disease. This variant is present in population databases (no rsID available, gnomAD 0.0009%). This variant has not been reported in the literature in individuals affected with POLD2-related conditions. Algorithms developed to predict the effect of sequence changes on RNA splicing suggest that this variant may disrupt the consensus splice site. In summary, the available evidence is currently insufficient to determine the role of this variant in disease. Therefore, it has been classified as a Variant of Uncertain Significance.

Literature cited by the submitters: PubMed 16199547.